The following is an entry in ClinVar:

NM_152703.5(SAMD9L):c.626C>A (p.Thr209Lys)

Gene: SAMD9L (sterile alpha motif domain containing 9 like; minus strand). Cytogenetic location: 7q21.2.
Variant type: single nucleotide variant.
Coding change: c.626C>A on transcript NM_152703.5 (MANE Select); coding-DNA position 626, C replaced by A.
Protein change: p.Thr209Lys; replaces threonine 209 with lysine.
Molecular consequence: missense variant.
Genome position (GRCh38, 1-based): chr7:93,135,346, G>T on the plus strand (C>A on the coding strand, the complement: SAMD9L is on the minus strand). VCF-style: chr7-93135346-G-T. GRCh37 (hg19) VCF-style: chr7-92764659-G-T.
Other names: c.626C>A, p.Thr209Lys (NM_001303496.3, NM_001303497.3, NM_001303498.3 and 5 more transcripts); short protein forms T209K.
Identifiers: ClinVar variation 4630011 (VCV004630011.1).

ClinVar aggregate classification (germline): Uncertain significance (1 of 4 stars; one submission).

Conditions:
Inborn genetic diseases. Identifiers: MedGen C0950123, MeSH D030342.

Submission:

Ambry Genetics
Classification: Uncertain significance for Inborn genetic diseases. Last evaluated: 2025-09-21. Review status: criteria provided, single submitter. Criteria: Ambry Variant Classification Scheme 2023. Collection method: clinical testing. Allele origin: germline.
Comment: The p.T209K variant (also known as c.626C>A), located in coding exon 1 of the SAMD9L gene, results from a C to A substitution at nucleotide position 626. The threonine at codon 209 is replaced by lysine, an amino acid with similar properties. This amino acid position is conserved. In addition, this alteration is predicted to be tolerated by in silico analysis. Based on the available evidence, the clinical significance of this variant remains unclear.